The following is an entry in ClinVar:

NM_001127511.3(APC):c.57C>T (p.Pro19=)

Gene: APC (APC regulator of Wnt signaling pathway; plus strand). Cytogenetic location: 5q22.2.
Variant type: single nucleotide variant.
Coding change: c.57C>T on transcript NM_001127511.3; coding-DNA position 57, C replaced by T.
Protein change: p.Pro19=; no amino-acid change (proline 19 retained).
Molecular consequence: synonymous variant. On other transcripts: 5 prime UTR variant (8), non-coding transcript variant (1), intron variant (5).
Genome position (GRCh38, 1-based): chr5:112,707,774, C>T. VCF-style: chr5-112707774-C-T. GRCh37 (hg19) VCF-style: chr5-112043471-C-T.
Other names: c.-127C>T (NM_001354895.2, NM_001407447.1, NM_001407452.1 and 3 more transcripts); c.57C>T, p.Pro19= (NM_001354897.2, NM_001354902.2, NM_001407446.1); c.-1162C>T (NM_001407470.1, NM_001407472.1); c.-19+125C>T (NM_001407448.1, NM_001407450.1, NM_001407457.1 and 1 more transcripts); c.-43+125C>T (NM_001407453.1).
Identifiers: ClinVar variation 1056818 (VCV001056818.9), dbSNP rs2149630747, ClinGen allele CA2499217405.

ClinVar aggregate classification (germline): Uncertain significance (1 of 4 stars; one submission).

Conditions:
Familial adenomatous polyposis 1 (FAP1). Also called: FAMILIAL ADENOMATOUS POLYPOSIS 1, ATTENUATED; POLYPOSIS, ADENOMATOUS INTESTINAL. Identifiers: MedGen C2713442, MONDO:0021056, OMIM 175100. Disease mechanism: loss of function.

Submission:

Labcorp Genetics (formerly Invitae), Labcorp
Classification: Uncertain significance for Familial adenomatous polyposis 1. Last evaluated: 2025-11-24. Review status: criteria provided, single submitter. Criteria: Invitae Variant Classification Sherloc (09022015). Collection method: clinical testing. Allele origin: germline.
Comment: This variant occurs in a non-coding region of the APC gene. It does not change the encoded amino acid sequence of the APC protein. This variant is not present in population databases (gnomAD no frequency). This variant has not been reported in the literature in individuals affected with APC-related conditions. Experimental studies and prediction algorithms are not available or were not evaluated, and the functional significance of this variant is currently unknown. In summary, the available evidence is currently insufficient to determine the role of this variant in disease. Therefore, it has been classified as a Variant of Uncertain Significance.